The following is an entry in ClinVar:

ClinVar aggregate classification (germline): Likely pathogenic (0 of 4 stars; one submission).

Conditions:
Pontocerebellar hypoplasia type 2E. Identifiers: Orphanet 247198, MedGen C4014488, MONDO:0014370, OMIM 615851.

Allele frequency attached by ClinVar (database versions not stated): gnomAD exomes below 0.00001.
gnomAD v4.1: 2 of 1,613,258 alleles (0.00012%); highest among the groups gnomAD compares: South Asian, 0.0022%; no homozygotes.

Submission:

Biological Sciences, International Islamic University, Islamabad
Classification: Likely pathogenic for Pontocerebellar hypoplasia type 2E. Last evaluated: 2019-09-11. Review status: no assertion criteria provided. Collection method: clinical testing. Allele origin: inherited. Inheritance: Autosomal recessive inheritance. Affected: yes. Observed: 1 hemizygote.
Comment: We are reporting a novel variant Pro202Leu causing Pontocerebellar Hypoplasia , Type 2E; PCH2E disease in a Pakistani family. Previously reported mutation in the VPS53 gene causing PCH2E disease in the following reported families. Feinstein et al. (2014) reported 10 individuals from 4 nonconsanguineous families of Jewish Moroccan descent with a severe neurodevelopmental disorder. Two of the families had previously been reported by Ben-Zeev et al. (2003). Hady-Cohen et al. (2018) reported another nonconsanguineous family of Jewish Moroccan descent in which 2 sibs had PCH2E.

NM_001128159.3(VPS53):c.692C>T (p.Pro231Leu)

Gene: VPS53 (VPS53 subunit of GARP complex; minus strand). Cytogenetic location: 17p13.3.
Variant type: single nucleotide variant.
Coding change: c.692C>T on transcript NM_001128159.3 (MANE Select); coding-DNA position 692, C replaced by T.
Protein change: p.Pro231Leu; replaces proline 231 with leucine.
Molecular consequence: missense variant.
Genome position (GRCh38, 1-based): chr17:628,227, G>A on the plus strand (C>T on the coding strand, the complement: VPS53 is on the minus strand). VCF-style: chr17-628227-G-A. GRCh37 (hg19) VCF-style: chr17-531467-G-A.
Other names: c.692C>T, p.Pro231Leu (NM_001366253.2); c.98C>T, p.Pro33Leu (NM_001366254.2); c.605C>T, p.Pro202Leu (NM_018289.4); short protein forms P202L, P231L, P33L.
Identifiers: ClinVar variation 818227 (VCV000818227.2), dbSNP rs1472685858, ClinGen allele CA397489117.